The following is an entry in ClinVar:

ClinVar aggregate classification (germline): Uncertain significance. Review status: criteria provided, multiple submitters, no conflicts (2 of 4 stars). 2 submissions from 2 submitters: Uncertain significance (2). Last evaluated 2022-08-31.

Conditions:
Infantile-onset ascending hereditary spastic paralysis (IAHSP). Also called: Autosomal Recessive Juvenile Amyotrophic Lateral Sclerosis; Infantile-Onset Ascending Hereditary Spastic Paralysis (IAHSP). Identifiers: Orphanet 293168, MedGen C2931441, MONDO:0011797, OMIM 607225. Disease mechanism: loss of function.
Inborn genetic diseases. Identifiers: MedGen C0950123, MeSH D030342.

Allele frequency attached by ClinVar (database versions not stated): ExAC 0.00002; gnomAD 0.00002 and 0.00004; gnomAD exomes 0.00002; TOPMed 0.00006; ESP Exome Variant Server 0.00008.
gnomAD v4.1: 35 of 1,613,722 alleles (0.0022%); highest among the groups gnomAD compares: Middle Eastern, 0.016%; no homozygotes.

Submissions (2):

Labcorp Genetics (formerly Invitae), Labcorp
Classification: Uncertain significance for Infantile-onset ascending hereditary spastic paralysis. Last evaluated: 2022-08-31. Review status: criteria provided, single submitter. Criteria: Invitae Variant Classification Sherloc (09022015). Collection method: clinical testing. Allele origin: germline.
Comment: This sequence change replaces glycine, which is neutral and non-polar, with alanine, which is neutral and non-polar, at codon 478 of the ALS2 protein (p.Gly478Ala). This variant is present in population databases (rs373603368, gnomAD 0.006%). This variant has not been reported in the literature in individuals affected with ALS2-related conditions. ClinVar contains an entry for this variant (Variation ID: 465180). Algorithms developed to predict the effect of missense changes on protein structure and function (SIFT, PolyPhen-2, Align-GVGD) all suggest that this variant is likely to be tolerated. In summary, the available evidence is currently insufficient to determine the role of this variant in disease. Therefore, it has been classified as a Variant of Uncertain Significance.

Ambry Genetics
Classification: Uncertain significance for Inborn genetic diseases. Last evaluated: 2022-08-01. Review status: criteria provided, single submitter. Criteria: Ambry Variant Classification Scheme 2023. Collection method: clinical testing. Allele origin: germline.

NM_020919.4(ALS2):c.1433G>C (p.Gly478Ala)

Gene: ALS2 (alsin Rho guanine nucleotide exchange factor ALS2; minus strand). Cytogenetic location: 2q33.1.
Variant type: single nucleotide variant.
Coding change: c.1433G>C on transcript NM_020919.4 (MANE Select); coding-DNA position 1433, G replaced by C.
Protein change: p.Gly478Ala; replaces glycine 478 with alanine.
Molecular consequence: missense variant.
Genome position (GRCh38, 1-based): chr2:201,757,440, C>G on the plus strand (G>C on the coding strand, the complement: ALS2 is on the minus strand). VCF-style: chr2-201757440-C-G. GRCh37 (hg19) VCF-style: chr2-202622163-C-G.
Other names: short protein forms G478A.
Identifiers: ClinVar variation 465180 (VCV000465180.4), dbSNP rs373603368, ClinGen allele CA2058468.